The following is an entry in ClinVar:

ClinVar aggregate classification (germline): Uncertain significance. Review status: criteria provided, multiple submitters, no conflicts (2 of 4 stars). 2 submissions from 2 submitters: Uncertain significance (2). Last evaluated 2025-11-22.

Conditions:
Inborn genetic diseases. Identifiers: MedGen C0950123, MeSH D030342.
Mosaic variegated aneuploidy syndrome 1 (MVA1). Also called: Warburton-Anyane-Yeboa syndrome. Identifiers: Orphanet 1052, MedGen C1850343, MONDO:0009759, OMIM 257300.

Allele frequency attached by ClinVar (database versions not stated): gnomAD 0.00001; TOPMed 0.00001.
gnomAD v4.1: 1 of 1,614,024 alleles (0.000062%); highest among the groups gnomAD compares: African/African-American, 0.0013%; no homozygotes.

Submissions (2):

Ambry Genetics
Classification: Uncertain significance for Inborn genetic diseases. Last evaluated: 2025-11-22. Review status: criteria provided, single submitter. Criteria: Ambry Variant Classification Scheme 2023. Collection method: clinical testing. Allele origin: germline.
Comment: The p.G1021A variant (also known as c.3062G>C), located in coding exon 23 of the BUB1B gene, results from a G to C substitution at nucleotide position 3062. The glycine at codon 1021 is replaced by alanine, an amino acid with similar properties. This amino acid position is conserved. In addition, this alteration is predicted to be tolerated by in silico analysis. Since supporting evidence is limited at this time, the clinical significance of this alteration remains unclear.

Labcorp Genetics (formerly Invitae), Labcorp
Classification: Uncertain significance for Mosaic variegated aneuploidy syndrome 1. Last evaluated: 2022-05-18. Review status: criteria provided, single submitter. Criteria: Invitae Variant Classification Sherloc (09022015). Collection method: clinical testing. Allele origin: germline.
Comment: In summary, the available evidence is currently insufficient to determine the role of this variant in disease. Therefore, it has been classified as a Variant of Uncertain Significance. Algorithms developed to predict the effect of missense changes on protein structure and function (SIFT, PolyPhen-2, Align-GVGD) all suggest that this variant is likely to be tolerated. This variant has not been reported in the literature in individuals affected with BUB1B-related conditions. This variant is not present in population databases (gnomAD no frequency). This sequence change replaces glycine, which is neutral and non-polar, with alanine, which is neutral and non-polar, at codon 1021 of the BUB1B protein (p.Gly1021Ala).

NM_001211.6(BUB1B):c.3062G>C (p.Gly1021Ala)

Genes: BUB1B (BUB1 mitotic checkpoint serine/threonine kinase B; plus strand), BUB1B-PAK6 (BUB1B-PAK6 readthrough; plus strand). Cytogenetic location: 15q15.1.
Variant type: single nucleotide variant.
Coding change: c.3062G>C on transcript NM_001211.6 (MANE Select); coding-DNA position 3062, G replaced by C.
Protein change: p.Gly1021Ala; replaces glycine 1021 with alanine.
Molecular consequence: missense variant. On other transcripts: intron variant (2).
Genome position (GRCh38, 1-based): chr15:40,220,668, G>C. VCF-style: chr15-40220668-G-C. GRCh37 (hg19) VCF-style: chr15-40512869-G-C.
Other names: c.-201+3001G>C (NM_001128628.3); c.-118+3001G>C (NM_001128629.3); short protein forms G1021A.
Identifiers: ClinVar variation 1799389 (VCV001799389.8), dbSNP rs2037889351, ClinGen allele CA391690049.